The following is an entry in ClinVar:

ClinVar aggregate classification (germline): Pathogenic (1 of 4 stars; one submission).

Conditions:
Rare genetic deafness. Identifiers: Orphanet 96210, MedGen C5680250.

Submission:

Laboratory for Molecular Medicine, Mass General Brigham Personalized Medicine
Classification: Pathogenic for Rare genetic deafness. Last evaluated: 2011-02-14. Review status: criteria provided, single submitter. Criteria: LMM Criteria. Collection method: clinical testing. Allele origin: germline. Observed: 1 variant allele.
Comment: The Leu374fs variant in EYA1 has not been reported in the literature nor previou sly identified by our laboratory. The Leu374fs variant is predicted to cause a f rameshift, which alters the protein's amino acid sequence beginning at codon 374 and leads to a premature stop codon 6 codons downstream. This alteration is the n predicted to lead to a truncated or absent protein. In summary, this variant m eets our criteria to be classified as pathogenic.

NM_000503.6(EYA1):c.1122del (p.Leu374fs)

Gene: EYA1 (EYA transcriptional coactivator and phosphatase 1; minus strand). Cytogenetic location: 8q13.3.
Variant type: Deletion.
Coding change: c.1122del on transcript NM_000503.6 (MANE Select); coding-DNA position 1122, one base deleted (A; older notation c.1122delA).
Protein change: p.Leu374fs; shifts the reading frame from leucine 374.
Molecular consequence: frameshift variant. On other transcripts: intron variant (2).
Genome position (GRCh38, 1-based): chr8:71,244,621, T deleted on the plus strand (A on the coding strand, the reverse complement: EYA1 is on the minus strand). VCF-style (leftmost placement, unchanged base first): chr8-71244620-AT-A. GRCh37 (hg19) VCF-style: chr8-72156855-AT-A.
Other names: c.1104del, p.Leu368fs (NM_001288574.2); c.756del, p.Leu252fs (NM_001288575.2); c.1209del, p.Leu403fs (NM_001370333.1); c.1122del, p.Leu374fs (NM_001370334.1, NM_001370335.1, NM_172058.4); c.1119+25119del (NM_001370336.1); c.1122+25119del (NM_172059.5); short protein forms L252fs, L368fs, L374fs, L403fs.
Identifiers: ClinVar variation 48099 (VCV000048099.4), dbSNP rs397517916, ClinGen allele CA262032.